The following is an entry in ClinVar:

ClinVar aggregate classification (germline): Uncertain significance. Review status: criteria provided, multiple submitters, no conflicts (2 of 4 stars). 3 submissions from 3 submitters: Uncertain significance (3). Last evaluated 2025-01-15.

Conditions:
Neurofibromatosis, type 1 (NF1). Also called: NEUROFIBROMATOSIS, TYPE I, SOMATIC; Peripheral type neurofibromatosis; VON RECKLINGHAUSEN DISEASE; Neurofibromatosis, type I. Identifiers: Orphanet 636, MedGen C0027831, MONDO:0018975, OMIM 162200. Disease mechanism: loss of function.
Hereditary cancer-predisposing syndrome. Also called: Neoplastic Syndromes, Hereditary; Tumor predisposition; Hereditary neoplastic syndrome; Hereditary Cancer Syndrome. Identifiers: Orphanet 140162, MedGen C0027672, MeSH D009386, MONDO:0015356.
Cardiovascular phenotype. Identifiers: MedGen CN230736.

Allele frequency attached by ClinVar (database versions not stated): TOPMed below 0.00001.

Submissions (3):

Ambry Genetics
Classification: Uncertain significance for Cardiovascular phenotype; Hereditary cancer-predisposing syndrome. Last evaluated: 2025-01-15. Review status: criteria provided, single submitter. Criteria: Ambry Variant Classification Scheme 2023. Collection method: clinical testing. Allele origin: germline.
Comment: The p.E1020A variant (also known as c.3059A>C), located in coding exon 23 of the NF1 gene, results from an A to C substitution at nucleotide position 3059. The glutamic acid at codon 1020 is replaced by alanine, an amino acid with dissimilar properties. This amino acid position is conserved. In addition, this alteration is predicted to be tolerated by in silico analysis. Since supporting evidence is limited at this time, the clinical significance of this alteration remains unclear.

Quest Diagnostics Nichols Institute San Juan Capistrano
Classification: Uncertain significance. Last evaluated: 2024-10-02. Review status: criteria provided, single submitter. Criteria: Quest Diagnostics criteria. Collection method: clinical testing. Allele origin: unknown.
Comment: The NF1 c.3059A>C (p.Glu1020Ala) variant has not been reported in individuals with NF1-related conditions in the published literature. It also has not been reported in large, multi-ethnic general populations (Genome Aggregation Database). Analysis of this variant using bioinformatics tools for the prediction of the effect of amino acid changes on protein structure and function yielded conflicting predictions that this variant is deleterious or benign. Based on the available information, we are unable to determine the clinical significance of this variant.

Labcorp Genetics (formerly Invitae), Labcorp
Classification: Uncertain significance for Neurofibromatosis, type 1. Last evaluated: 2022-04-30. Review status: criteria provided, single submitter. Criteria: Invitae Variant Classification Sherloc (09022015). Collection method: clinical testing. Allele origin: germline.
Comment: This sequence change replaces glutamic acid, which is acidic and polar, with alanine, which is neutral and non-polar, at codon 1020 of the NF1 protein (p.Glu1020Ala). In summary, the available evidence is currently insufficient to determine the role of this variant in disease. Therefore, it has been classified as a Variant of Uncertain Significance. Advanced modeling of protein sequence and biophysical properties (such as structural, functional, and spatial information, amino acid conservation, physicochemical variation, residue mobility, and thermodynamic stability) performed at Invitae indicates that this missense variant is not expected to disrupt NF1 protein function. This variant has not been reported in the literature in individuals affected with NF1-related conditions. This variant is not present in population databases (gnomAD no frequency).

NM_001042492.3(NF1):c.3059A>C (p.Glu1020Ala)

Gene: NF1 (neurofibromin 1; plus strand). Cytogenetic location: 17q11.2.
Variant type: single nucleotide variant.
Coding change: c.3059A>C on transcript NM_001042492.3 (MANE Select); coding-DNA position 3059, A replaced by C.
Protein change: p.Glu1020Ala; replaces glutamic acid 1020 with alanine.
Molecular consequence: missense variant.
Genome position (GRCh38, 1-based): chr17:31,230,328, A>C. VCF-style: chr17-31230328-A-C. GRCh37 (hg19) VCF-style: chr17-29557346-A-C.
Other names: c.3059A>C, p.Glu1020Ala (NM_000267.4); short protein forms E1020A.
Identifiers: ClinVar variation 1799324 (VCV001799324.9), dbSNP rs2067091938, ClinGen allele CA398987413.